The following is an entry in ClinVar:

ClinVar aggregate classification (germline): Uncertain significance. Review status: criteria provided, multiple submitters, no conflicts (2 of 4 stars). 2 submissions from 2 submitters: Uncertain significance (2). Last evaluated 2023-12-25.

Conditions:
Cardiovascular phenotype. Identifiers: MedGen CN230736.
Noonan syndrome 9 (NS9). Identifiers: Orphanet 648, MedGen C4225282, MONDO:0014691, OMIM 616559.

Submissions (2):

Ambry Genetics
Classification: Uncertain significance for Cardiovascular phenotype. Last evaluated: 2023-12-25. Review status: criteria provided, single submitter. Criteria: Ambry Variant Classification Scheme 2023. Collection method: clinical testing. Allele origin: germline.
Comment: The p.H1055Q variant (also known as c.3165C>A), located in coding exon 20 of the SOS2 gene, results from a C to A substitution at nucleotide position 3165. The histidine at codon 1055 is replaced by glutamine, an amino acid with highly similar properties. This amino acid position is conserved. In addition, the in silico prediction for this alteration is inconclusive. Since supporting evidence is limited at this time, the clinical significance of this alteration remains unclear.

Labcorp Genetics (formerly Invitae), Labcorp
Classification: Uncertain significance for Noonan syndrome 9. Last evaluated: 2023-07-16. Review status: criteria provided, single submitter. Criteria: Invitae Variant Classification Sherloc (09022015). Collection method: clinical testing. Allele origin: germline.
Comment: In summary, the available evidence is currently insufficient to determine the role of this variant in disease. Therefore, it has been classified as a Variant of Uncertain Significance. Advanced modeling of protein sequence and biophysical properties (such as structural, functional, and spatial information, amino acid conservation, physicochemical variation, residue mobility, and thermodynamic stability) performed at Invitae indicates that this missense variant is not expected to disrupt SOS2 protein function. This variant has not been reported in the literature in individuals affected with SOS2-related conditions. This variant is not present in population databases (gnomAD no frequency). This sequence change replaces histidine, which is basic and polar, with glutamine, which is neutral and polar, at codon 1055 of the SOS2 protein (p.His1055Gln).

NM_006939.4(SOS2):c.3165C>A (p.His1055Gln)

Gene: SOS2 (SOS Ras/Rho guanine nucleotide exchange factor 2; minus strand). Cytogenetic location: 14q21.3.
Variant type: single nucleotide variant.
Coding change: c.3165C>A on transcript NM_006939.4 (MANE Select); coding-DNA position 3165, C replaced by A.
Protein change: p.His1055Gln; replaces histidine 1055 with glutamine.
Molecular consequence: missense variant.
Genome position (GRCh38, 1-based): chr14:50,130,673, G>T on the plus strand (C>A on the coding strand, the complement: SOS2 is on the minus strand). VCF-style: chr14-50130673-G-T. GRCh37 (hg19) VCF-style: chr14-50597391-G-T.
Other names: c.3066C>A, p.His1022Gln (NM_001411020.1); short protein forms H1022Q, H1055Q.
Identifiers: ClinVar variation 2999931 (VCV002999931.4), dbSNP rs2502826307, ClinGen allele CA389640858.
Genomic context (GRCh38, chr14:50,130,673, plus strand): 5'-CTCAGTTTCAGCAATCCGACTAAAGCTTATTTTACATGGTTCTCTTTCTAATGGTGTTGG[G>T]TGACCTCGTAAAGTACCTGAGGTAGAGCCATGTCGGCCTGTGTTAGGCCTTATTCCAGGA-3'
Protein context (NP_008870.2, residues 1045-1065): HGSTSGTLRG[His1055Gln]PTPLEREPCK